The following is an entry in ClinVar:

ClinVar aggregate classification (germline): Likely benign. Review status: criteria provided, multiple submitters, no conflicts (2 of 4 stars). 3 submissions from 3 submitters: Likely benign (3). Last evaluated 2025-11-27.

Allele frequency attached by ClinVar (database versions not stated): 1000 Genomes Project 0.00020; 1000 Genomes Project 30x 0.00031; ESP Exome Variant Server 0.00038; ExAC 0.00049; TOPMed 0.00055; gnomAD 0.00062.
gnomAD v4.1: 1,391 of 1,526,444 alleles (0.091%); highest among the groups gnomAD compares: Non-Finnish European, 0.12%; 2 homozygotes.

Submissions (3):

Labcorp Genetics (formerly Invitae), Labcorp
Classification: Likely benign. Last evaluated: 2025-11-27. Review status: criteria provided, single submitter. Criteria: Invitae Variant Classification Sherloc (09022015). Collection method: clinical testing. Allele origin: germline.

Blueprint Genetics
Classification: Likely benign. Last evaluated: 2024-11-19. Review status: criteria provided, single submitter. Criteria: ACMG Guidelines, 2015. Collection method: clinical testing. Allele origin: germline.

Women's Health and Genetics/Laboratory Corporation of America, LabCorp
Classification: Likely benign. Last evaluated: 2023-10-17. Review status: criteria provided, single submitter. Criteria: LabCorp Variant Classification Summary - May 2015. Collection method: clinical testing. Allele origin: germline.
Comment: Variant summary: SCNN1B c.1270+17G>A alters a non-conserved nucleotide located at a position not widely known to affect splicing. Consensus agreement among computation tools predict no significant impact on normal splicing. However, these predictions have yet to be confirmed by functional studies. The variant allele was found at a frequency of 0.0006 in 251224 control chromosomes, predominantly at a frequency of 0.001 within the Non-Finnish European subpopulation in the gnomAD database. To our knowledge, no occurrence of c.1270+17G>A in individuals affected with SCNN1B-Related Disorders and no experimental evidence demonstrating its impact on protein function have been reported. No submitters have cited clinical-significance assessments for this variant to ClinVar after 2014. Based on the evidence outlined above, the variant was classified as likely benign.

NM_000336.3(SCNN1B):c.1270+17G>A

Gene: SCNN1B (sodium channel epithelial 1 subunit beta; plus strand). Cytogenetic location: 16p12.2.
Variant type: single nucleotide variant.
Coding change: c.1270+17G>A on transcript NM_000336.3 (MANE Select); 17 bases into the intron after coding-DNA position 1270, G replaced by A.
Molecular consequence: intron variant.
Genome position (GRCh38, 1-based): chr16:23,375,872, G>A. VCF-style: chr16-23375872-G-A. GRCh37 (hg19) VCF-style: chr16-23387193-G-A.
Other names: c.1162+17G>A (NM_001410900.1).
Identifiers: ClinVar variation 2637768 (VCV002637768.5), dbSNP rs201924796, ClinGen allele CA7960420.